The following is an entry in ClinVar:

NM_004614.5(TK2):c.478G>A (p.Val160Ile)

Gene: TK2 (thymidine kinase 2; minus strand). Cytogenetic location: 16q21.
Variant type: single nucleotide variant.
Coding change: c.478G>A on transcript NM_004614.5 (MANE Select); coding-DNA position 478, G replaced by A.
Protein change: p.Val160Ile; replaces valine 160 with isoleucine.
Molecular consequence: missense variant. On other transcripts: non-coding transcript variant (1), intron variant (1).
Genome position (GRCh38, 1-based): chr16:66,517,849, C>T on the plus strand (G>A on the coding strand, the complement: TK2 is on the minus strand). VCF-style: chr16-66517849-C-T. GRCh37 (hg19) VCF-style: chr16-66551752-C-T.
Other names: c.385G>A, p.Val129Ile (NM_001172643.1); c.403G>A, p.Val135Ile (NM_001172644.2); c.424G>A, p.Val142Ile (NM_001172645.2); c.331G>A, p.Val111Ile (NM_001271934.2); c.187G>A, p.Val63Ile (NM_001272050.2); c.357-4038G>A (NM_001271935.1); short protein forms V111I, V135I, V142I, V63I, V129I, V160I.
Identifiers: ClinVar variation 1936794 (VCV001936794.3), dbSNP rs539947146, ClinGen allele CA8093658.

ClinVar aggregate classification (germline): Uncertain significance (1 of 4 stars; one submission).

Allele frequency attached by ClinVar (database versions not stated): ExAC 0.00001; gnomAD 0.00001; 1000 Genomes Project 0.00020; 1000 Genomes Project 30x 0.00031.
gnomAD v4.1: 1 of 1,614,178 alleles (0.000062%); highest among the groups gnomAD compares: Non-Finnish European, 0.000085%; no homozygotes.

Submissions (2):

Labcorp Genetics (formerly Invitae), Labcorp
Classification: Uncertain significance. Last evaluated: 2022-08-22. Review status: criteria provided, single submitter. Criteria: Invitae Variant Classification Sherloc (09022015). Collection method: clinical testing. Allele origin: germline.
Comment: This sequence change replaces valine, which is neutral and non-polar, with isoleucine, which is neutral and non-polar, at codon 160 of the TK2 protein (p.Val160Ile). This variant is present in population databases (rs539947146, gnomAD 0.003%). This variant has not been reported in the literature in individuals affected with TK2-related conditions. Advanced modeling of protein sequence and biophysical properties (such as structural, functional, and spatial information, amino acid conservation, physicochemical variation, residue mobility, and thermodynamic stability) performed at Invitae indicates that this missense variant is not expected to disrupt TK2 protein function. In summary, the available evidence is currently insufficient to determine the role of this variant in disease. Therefore, it has been classified as a Variant of Uncertain Significance.

Dr. Peter K. Rogan Lab, Western University
No classification provided (evidence only). Condition: Thyroid cancer, nonmedullary, 1. Review status: no classification provided. Collection method: in vitro. Allele origin: not applicable. Functional consequence: retained intron. Not counted in ClinVar's aggregate classification.